The following is an entry in ClinVar:

ClinVar aggregate classification (germline): Uncertain significance. Review status: criteria provided, multiple submitters, no conflicts (2 of 4 stars). 2 submissions from 2 submitters: Uncertain significance (2). Last evaluated 2025-04-30.

Conditions:
Autoinflammatory syndrome. Identifiers: Orphanet 93665, MedGen C3890737, MONDO:0019751.
Familial cold autoinflammatory syndrome 2 (FCAS2). Identifiers: Orphanet 247868, MedGen C2673198, MONDO:0012724, OMIM 611762.

gnomAD v4.1: 9 of 1,614,066 alleles (0.00056%); highest among the groups gnomAD compares: Admixed American, 0.0017%; no homozygotes.

Submissions (2):

Labcorp Genetics (formerly Invitae), Labcorp
Classification: Uncertain significance for Familial cold autoinflammatory syndrome 2. Last evaluated: 2025-04-30. Review status: criteria provided, single submitter. Criteria: Invitae Variant Classification Sherloc (09022015). Collection method: clinical testing. Allele origin: germline.
Comment: This sequence change replaces alanine, which is neutral and non-polar, with glutamic acid, which is acidic and polar, at codon 35 of the NLRP12 protein (p.Ala35Glu). This variant is present in population databases (rs373357561, gnomAD 0.002%). This variant has not been reported in the literature in individuals affected with NLRP12-related conditions. ClinVar contains an entry for this variant (Variation ID: 1694387). Invitae Evidence Modeling of protein sequence and biophysical properties (such as structural, functional, and spatial information, amino acid conservation, physicochemical variation, residue mobility, and thermodynamic stability) indicates that this missense variant is not expected to disrupt NLRP12 protein function with a negative predictive value of 80%. In summary, the available evidence is currently insufficient to determine the role of this variant in disease. Therefore, it has been classified as a Variant of Uncertain Significance.

Genome Diagnostics Laboratory, The Hospital for Sick Children
Classification: Uncertain significance for Autoinflammatory syndrome. Last evaluated: 2016-12-12. Review status: criteria provided, single submitter. Criteria: ACMG Guidelines, 2015. Collection method: clinical testing. Allele origin: germline. Affected: yes.

NM_144687.4(NLRP12):c.104C>A (p.Ala35Glu)

Gene: NLRP12 (NLR family pyrin domain containing 12; minus strand). Cytogenetic location: 19q13.42.
Variant type: single nucleotide variant.
Coding change: c.104C>A on transcript NM_144687.4 (MANE Select); coding-DNA position 104, C replaced by A.
Protein change: p.Ala35Glu; replaces alanine 35 with glutamic acid.
Molecular consequence: missense variant.
Genome position (GRCh38, 1-based): chr19:53,824,071, G>T on the plus strand (C>A on the coding strand, the complement: NLRP12 is on the minus strand). VCF-style: chr19-53824071-G-T. GRCh37 (hg19) VCF-style: chr19-54327325-G-T.
Other names: c.104C>A, p.Ala35Glu (NM_001277129.1, NM_001277126.2); short protein forms A35E.
Identifiers: ClinVar variation 1694387 (VCV001694387.4), dbSNP rs373357561, ClinGen allele CA9639834.
Genomic context (GRCh38, chr19:53,824,071, plus strand): 5'-TCCAGGGGACCGGCCTTCTCCATGCTTCCCCAGGGGATCTTGCCTTCTCCCAGCTCTGTC[G>T]CGGTCCCCAGGTATAACTTGAACTTCTTCAGTTCCACAGCCTCGAGTTCTTCCAAGTAGG-3'
Protein context (NP_653288.1, residues 25-45): LKKFKLYLGT[Ala35Glu]TELGEGKIPW